The following is an entry in ClinVar:

NM_000827.4(GRIA1):c.685A>G (p.Ile229Val)

Gene: GRIA1 (glutamate ionotropic receptor AMPA type subunit 1; plus strand). Cytogenetic location: 5q33.2.
Variant type: single nucleotide variant.
Coding change: c.685A>G on transcript NM_000827.4 (MANE Select); coding-DNA position 685, A replaced by G.
Protein change: p.Ile229Val; replaces isoleucine 229 with valine.
Molecular consequence: missense variant. On other transcripts: non-coding transcript variant (2).
Genome position (GRCh38, 1-based): chr5:153,655,858, A>G. VCF-style: chr5-153655858-A-G. GRCh37 (hg19) VCF-style: chr5-153035418-A-G.
Other names: c.685A>G, p.Ile229Val (NM_001114183.2, NM_001364165.2); c.445A>G, p.Ile149Val (NM_001258019.2); c.400A>G, p.Ile134Val (NM_001258020.2); c.715A>G, p.Ile239Val (NM_001258021.2, NM_001258022.2); c.478A>G, p.Ile160Val (NM_001258023.1, NM_001364167.2); c.712A>G, p.Ile238Val (NM_001364166.2); short protein forms I134V, I149V, I160V, I229V, I238V, I239V.
Identifiers: ClinVar variation 4083809 (VCV004083809.8).
Genomic context (GRCh38, chr5:153,655,858, plus strand): 5'-TCCACCTATTATGTTTTGTAGATTATAAAGCTAGAGAAGAATGGCATCGGCTACCACTAC[A>G]TTCTTGCAAATCTGGTGAGTAGAGCACTGCAGGCTCTCAGCTCAAGTCCTTTCCAGGTTT-3'
Protein context (NP_000818.2, residues 219-239): LEKNGIGYHY[Ile229Val]LANLGFMDID

ClinVar aggregate classification (germline): Uncertain significance (1 of 4 stars; one submission).

Submission:

CeGaT Center for Human Genetics Tuebingen
Classification: Uncertain significance. Last evaluated: 2025-08-01. Review status: criteria provided, single submitter. Criteria: CeGaT Center For Human Genetics Tuebingen Variant Classification Criteria Version 2. Collection method: clinical testing. Allele origin: germline. Affected: yes. Observed: 1 variant allele.
Comment: GRIA1: PM2